The following is an entry in ClinVar:

NM_022356.4(P3H1):c.741del (p.Tyr250fs)

Gene: P3H1 (prolyl 3-hydroxylase 1; minus strand). Cytogenetic location: 1p34.2.
Variant type: Deletion.
Coding change: c.741del on transcript NM_022356.4 (MANE Select); coding-DNA position 741, one base deleted (A; older notation c.741delA).
Protein change: p.Tyr250fs; shifts the reading frame from tyrosine 250.
Molecular consequence: frameshift variant.
Genome position (GRCh38, 1-based): chr1:42,759,268, T deleted on the plus strand (A on the coding strand, the reverse complement: P3H1 is on the minus strand); the first of 2 consecutive T bases (chr1:42,759,268-42,759,269); deleting either gives the same sequence. VCF-style (leftmost placement, unchanged base first): chr1-42759267-CT-C. GRCh37 (hg19) VCF-style: chr1-43224938-CT-C.
Other names: c.741del, p.Tyr250fs (NM_001146289.2, NM_001243246.2); short protein forms Y250fs.
Identifiers: ClinVar variation 2869488 (VCV002869488.3), dbSNP rs2524472523, ClinGen allele CA2645178756.
Genomic context (GRCh38, chr1:42,759,267, plus strand): 5'-TGGCCTGGAAGAGGTCAGCGTTGTACTCAAGGTAGTTGTAGCCATCGTAGTCATAGGGCC[CT>C]TCGCAGAGGGCACGGCACTCCTCATAGGCCACAAAGTATTCTTGCAGCGCCGCCTCTAGG-3'

ClinVar aggregate classification (germline): Pathogenic (1 of 4 stars; one submission).

Conditions:
Osteogenesis imperfecta type 8 (OI8). Identifiers: MedGen C1970458, MONDO:0012581, OMIM 610915.

Submission:

Labcorp Genetics (formerly Invitae), Labcorp
Classification: Pathogenic for Osteogenesis imperfecta type 8. Last evaluated: 2023-08-11. Review status: criteria provided, single submitter. Criteria: Invitae Variant Classification Sherloc (09022015). Collection method: clinical testing. Allele origin: germline.
Comment: This variant is not present in population databases (gnomAD no frequency). For these reasons, this variant has been classified as Pathogenic. This variant has not been reported in the literature in individuals affected with P3H1-related conditions. This sequence change creates a premature translational stop signal (p.Tyr250Metfs*87) in the P3H1 gene. It is expected to result in an absent or disrupted protein product. Loss-of-function variants in P3H1 are known to be pathogenic (PMID: 17277775, 18566967, 19088120, 22281939).

Literature cited by the submitters: PubMed 17277775; PubMed 18566967; PubMed 19088120; PubMed 22281939.